The following is an entry in ClinVar:

ClinVar aggregate classification (germline): Likely benign (1 of 4 stars; one submission).

Allele frequency attached by ClinVar (database versions not stated): gnomAD 0.00004; TOPMed 0.00004; ExAC 0.00006; 1000 Genomes Project 0.00020; 1000 Genomes Project 30x 0.00031.
gnomAD v4.1: 78 of 1,614,098 alleles (0.0048%); highest among the groups gnomAD compares: East Asian, 0.078%; no homozygotes.

Submission:

CeGaT Center for Human Genetics Tuebingen
Classification: Likely benign. Last evaluated: 2022-06-01. Review status: criteria provided, single submitter. Criteria: CeGaT Center For Human Genetics Tuebingen Variant Classification Criteria Version 2. Collection method: clinical testing. Allele origin: germline. Affected: yes. Observed: 1 variant allele.
Comment: GBP4: BP4, BP7

NM_052941.5(GBP4):c.1038C>T (p.Ala346=)

Gene: GBP4 (guanylate binding protein 4; minus strand). Cytogenetic location: 1p22.2.
Variant type: single nucleotide variant.
Coding change: c.1038C>T on transcript NM_052941.5 (MANE Select); coding-DNA position 1038, C replaced by T.
Protein change: p.Ala346=; no amino-acid change (alanine 346 retained).
Molecular consequence: synonymous variant.
Genome position (GRCh38, 1-based): chr1:89,190,197, G>A on the plus strand (C>T on the coding strand, the complement: GBP4 is on the minus strand). VCF-style: chr1-89190197-G-A. GRCh37 (hg19) VCF-style: chr1-89655880-G-A.
Identifiers: ClinVar variation 2638924 (VCV002638924.24), dbSNP rs558982077, ClinGen allele CA941571.